The following is an entry in ClinVar:

ClinVar aggregate classification (germline): Uncertain significance (1 of 4 stars; one submission).

Submission:

Labcorp Genetics (formerly Invitae), Labcorp
Classification: Uncertain significance. Last evaluated: 2022-11-01. Review status: criteria provided, single submitter. Criteria: Invitae Variant Classification Sherloc (09022015). Collection method: clinical testing. Allele origin: germline.
Comment: Variants that disrupt the consensus splice site are a relatively common cause of aberrant splicing (PMID: 17576681, 9536098). Algorithms developed to predict the effect of sequence changes on RNA splicing suggest that this variant may disrupt the consensus splice site. In summary, the available evidence is currently insufficient to determine the role of this variant in disease. Therefore, it has been classified as a Variant of Uncertain Significance. ClinVar contains an entry for this variant (Variation ID: 1512897). This variant has not been reported in the literature in individuals affected with SPTB-related conditions. This variant is not present in population databases (gnomAD no frequency). This sequence change falls in intron 4 of the SPTB gene. It does not directly change the encoded amino acid sequence of the SPTB protein. It affects a nucleotide within the consensus splice site.

Literature cited by the submitters: PubMed 17576681; PubMed 9536098.

NM_001355436.2(SPTB):c.566+5_566+6del

Gene: SPTB (spectrin beta, erythrocytic; minus strand). Cytogenetic location: 14q23.3.
Variant type: Deletion.
Coding change: c.566+5_566+6del on transcript NM_001355436.2 (MANE Select); bases 5 to 6 of the intron after coding-DNA position 566, 2 bases deleted (GC; older notation c.566+5_566+6delGC).
Molecular consequence: intron variant.
Genome position (GRCh38, 1-based): chr14:64,802,220-64,802,221, GC deleted on the plus strand (GC on the coding strand, the reverse complement: SPTB is on the minus strand). VCF-style (leftmost placement, unchanged base first): chr14-64802219-GGC-G. GRCh37 (hg19) VCF-style: chr14-65268937-GGC-G.
Other names: c.566+5_566+6del (NM_001024858.4, NM_001355437.2).
Identifiers: ClinVar variation 1512897 (VCV001512897.6), dbSNP rs2139632086, ClinGen allele CA2573150035.